The following is an entry in ClinVar:

NM_006915.3(RP2):c.1A>G (p.Met1Val)

Genes: RP2 (RP2 activator of ARL3 GTPase; plus strand), LOC130068202 (ATAC-STARR-seq lymphoblastoid active region 29577; plus strand). Cytogenetic location: Xp11.3.
Variant type: single nucleotide variant.
Coding change: c.1A>G on transcript NM_006915.3 (MANE Select); coding-DNA position 1, A replaced by G.
Protein change: p.Met1Val; changes the start codon (methionine 1).
Molecular consequence: missense variant, initiator codon variant.
Genome position (GRCh38, 1-based): chrX:46,837,101, A>G. VCF-style: chrX-46837101-A-G. GRCh37 (hg19) VCF-style: chrX-46696536-A-G.
Other names: short protein forms M1V.
Identifiers: ClinVar variation 1455465 (VCV001455465.7), dbSNP rs2147074594, ClinGen allele CA413038132.

ClinVar aggregate classification (germline): Pathogenic. Review status: criteria provided, multiple submitters, no conflicts (2 of 4 stars). 2 submissions from 2 submitters: Pathogenic (2). Last evaluated 2025-03-17.

Conditions:
RP2-related disorder. Also called: RP2-related condition.

Submissions (2):

Labcorp Genetics (formerly Invitae), Labcorp
Classification: Pathogenic. Last evaluated: 2025-03-17. Review status: criteria provided, single submitter. Criteria: Invitae Variant Classification Sherloc (09022015). Collection method: clinical testing. Allele origin: germline.
Comment: This sequence change affects the initiator methionine of the RP2 mRNA. The next in-frame methionine is located at codon 41. This variant is not present in population databases (gnomAD no frequency). Disruption of the initiator codon has been observed in individuals with inherited retinal dystrophy (PMID: 26355662, 29847639; internal data). ClinVar contains an entry for this variant (Variation ID: 1455465). This variant disrupts a region of the RP2 protein in which other variant(s) (p.Ser6del) have been determined to be pathogenic (PMID: 9697692, 10942419, 17724181, 28209709; internal data). This suggests that this is a clinically significant region of the protein, and that variants that disrupt it are likely to be disease-causing. For these reasons, this variant has been classified as Pathogenic.

Blueprint Genetics
Classification: Pathogenic for RP2-related disorders. Last evaluated: 2022-08-25. Review status: criteria provided, single submitter. Criteria: ACMG Guidelines, 2015. Collection method: clinical testing. Allele origin: germline. Affected: yes. Observed: 4 variant alleles.

Literature cited by the submitters: PubMed 26355662 (cited by Labcorp Genetics (formerly Invitae), Labcorp); PubMed 29847639 (cited by Labcorp Genetics (formerly Invitae), Labcorp); PubMed 9697692 (cited by Labcorp Genetics (formerly Invitae), Labcorp); PubMed 10942419 (cited by Labcorp Genetics (formerly Invitae), Labcorp); PubMed 17724181 (cited by Labcorp Genetics (formerly Invitae), Labcorp); PubMed 28209709 (cited by Labcorp Genetics (formerly Invitae), Labcorp).